The following is an entry in ClinVar:

NM_178452.6(DNAAF1):c.46C>G (p.Leu16Val)

Gene: DNAAF1 (dynein axonemal assembly factor 1; plus strand). Cytogenetic location: 16q24.1.
Variant type: single nucleotide variant.
Coding change: c.46C>G on transcript NM_178452.6 (MANE Select); coding-DNA position 46, C replaced by G.
Protein change: p.Leu16Val; replaces leucine 16 with valine.
Molecular consequence: missense variant.
Genome position (GRCh38, 1-based): chr16:84,145,486, C>G. VCF-style: chr16-84145486-C-G. GRCh37 (hg19) VCF-style: chr16-84179091-C-G.
Other names: short protein forms L16V.
Identifiers: ClinVar variation 1523118 (VCV001523118.6), dbSNP rs545356113, ClinGen allele CA8202336.
Genomic context (GRCh38, chr16:84,145,486, plus strand): 5'-GTCGCCGAAGTAAACATGCACCCTGAGCCCTCGGAGCCTGCGACAGGTGGTGCAGCAGAG[C>G]TGGATTGCGCGCAGGAGCCCGGCGTGGAGGAGTCTGCGGGTGACCACGGGAGCGCAGGCC-3'
Protein context (NP_848547.4, residues 6-26): SEPATGGAAE[Leu16Val]DCAQEPGVEE

ClinVar aggregate classification (germline): Uncertain significance (1 of 4 stars; one submission).

Conditions:
Primary ciliary dyskinesia. Also called: Ciliary dyskinesia. Identifiers: Orphanet 244, MedGen C0008780, MONDO:0016575, HP:0012265.

Allele frequency attached by ClinVar (database versions not stated): gnomAD exomes below 0.00001 and 0.00001; gnomAD 0.00001; TOPMed 0.00001; ExAC 0.00003; 1000 Genomes Project 0.00020; 1000 Genomes Project 30x 0.00031.
gnomAD v4.1: 10 of 1,573,756 alleles (0.00064%); highest among the groups gnomAD compares: Admixed American, 0.013%; no homozygotes.

Submission:

Labcorp Genetics (formerly Invitae), Labcorp
Classification: Uncertain significance for Primary ciliary dyskinesia. Last evaluated: 2024-03-27. Review status: criteria provided, single submitter. Criteria: Invitae Variant Classification Sherloc (09022015). Collection method: clinical testing. Allele origin: germline.
Comment: This sequence change replaces leucine, which is neutral and non-polar, with valine, which is neutral and non-polar, at codon 16 of the DNAAF1 protein (p.Leu16Val). The frequency data for this variant in the population databases is considered unreliable, as metrics indicate poor data quality at this position in the gnomAD database. This variant has not been reported in the literature in individuals affected with DNAAF1-related conditions. ClinVar contains an entry for this variant (Variation ID: 1523118). An algorithm developed to predict the effect of missense changes on protein structure and function (PolyPhen-2) suggests that this variant is likely to be disruptive. In summary, the available evidence is currently insufficient to determine the role of this variant in disease. Therefore, it has been classified as a Variant of Uncertain Significance.